The following is an entry in ClinVar:

NM_001283009.2(RTEL1):c.481C>A (p.His161Asn)

Genes: RTEL1 (regulator of telomere elongation helicase 1; plus strand), RTEL1-TNFRSF6B (RTEL1-TNFRSF6B readthrough (NMD candidate); plus strand). Cytogenetic location: 20q13.33.
Variant type: single nucleotide variant.
Coding change: c.481C>A on transcript NM_001283009.2 (MANE Select); coding-DNA position 481, C replaced by A.
Protein change: p.His161Asn; replaces histidine 161 with asparagine.
Molecular consequence: missense variant. On other transcripts: non-coding transcript variant (1), 5 prime UTR variant (1).
Genome position (GRCh38, 1-based): chr20:63,662,832, C>A. VCF-style: chr20-63662832-C-A. GRCh37 (hg19) VCF-style: chr20-62294185-C-A.
Other names: c.-189C>A (NM_001283010.1); c.481C>A, p.His161Asn (NM_016434.4); c.553C>A, p.His185Asn (NM_032957.5); short protein forms H161N, H185N.
Identifiers: ClinVar variation 3791104 (VCV003791104.1).

ClinVar aggregate classification (germline): Uncertain significance (1 of 4 stars; one submission).

Conditions:
Inborn genetic diseases. Identifiers: MedGen C0950123, MeSH D030342.

Submission:

Ambry Genetics
Classification: Uncertain significance for Inborn genetic diseases. Last evaluated: 2025-01-31. Review status: criteria provided, single submitter. Criteria: Ambry Variant Classification Scheme 2023. Collection method: clinical testing. Allele origin: germline.
Comment: The p.H161N variant (also known as c.481C>A), located in coding exon 5 of the RTEL1 gene, results from a C to A substitution at nucleotide position 481. The histidine at codon 161 is replaced by asparagine, an amino acid with similar properties. This amino acid position is conserved. In addition, this alteration is predicted to be tolerated by in silico analysis. Based on the available evidence, the clinical significance of this variant remains unclear.